The following is an entry in ClinVar:

ClinVar aggregate classification (germline): Uncertain significance. Review status: criteria provided, multiple submitters, no conflicts (2 of 4 stars). 2 submissions from 2 submitters: Uncertain significance (2). Last evaluated 2024-11-26.

Conditions:
Hereditary cancer-predisposing syndrome. Also called: Tumor predisposition; Hereditary neoplastic syndrome; Hereditary Cancer Syndrome; Neoplastic Syndromes, Hereditary. Identifiers: Orphanet 140162, MedGen C0027672, MeSH D009386, MONDO:0015356.
Familial cancer of breast. Also called: hereditary breast carcinoma; BREAST CANCER, FAMILIAL; Hereditary breast cancer. Identifiers: Orphanet 227535, MedGen C0346153, MONDO:0016419, OMIM 114480. Disease mechanism: loss of function.

Submissions (2):

Labcorp Genetics (formerly Invitae), Labcorp
Classification: Uncertain significance for Familial cancer of breast. Last evaluated: 2024-11-26. Review status: criteria provided, single submitter. Criteria: Invitae Variant Classification Sherloc (09022015). Collection method: clinical testing. Allele origin: germline.
Comment: This sequence change replaces phenylalanine, which is neutral and non-polar, with serine, which is neutral and polar, at codon 125 of the CHEK2 protein (p.Phe125Ser). This variant is not present in population databases (gnomAD no frequency). This variant has not been reported in the literature in individuals affected with CHEK2-related conditions. ClinVar contains an entry for this variant (Variation ID: 578175). An algorithm developed to predict the effect of missense changes on protein structure and function (PolyPhen-2) suggests that this variant is likely to be disruptive. Experimental studies have shown that this missense change affects CHEK2 function (PMID: 34903604). In summary, the available evidence is currently insufficient to determine the role of this variant in disease. Therefore, it has been classified as a Variant of Uncertain Significance.

Ambry Genetics
Classification: Uncertain significance for Hereditary cancer-predisposing syndrome. Last evaluated: 2024-07-23. Review status: criteria provided, single submitter. Criteria: Ambry Variant Classification Scheme 2023. Collection method: clinical testing. Allele origin: germline.
Comment: The p.F125S variant (also known as c.374T>C), located in coding exon 2 of the CHEK2 gene, results from a T to C substitution at nucleotide position 374. The phenylalanine at codon 125 is replaced by serine, an amino acid with highly dissimilar properties. This alteration was reported as damaging in an mES cell-based assay of CHEK2 activity (Boonen RACM et al. Cancer Res, 2022 Feb;82:615-631). This amino acid position is well conserved in available vertebrate species. In addition, this alteration is predicted to be deleterious by in silico analysis. Based on the available evidence, the clinical significance of this variant remains unclear.

Literature cited by the submitters: PubMed 34903604 (cited by Labcorp Genetics (formerly Invitae), Labcorp and Ambry Genetics).

NM_007194.4(CHEK2):c.374T>C (p.Phe125Ser)

Gene: CHEK2 (checkpoint kinase 2; minus strand). Cytogenetic location: 22q12.1.
Variant type: single nucleotide variant.
Coding change: c.374T>C on transcript NM_007194.4 (MANE Select); coding-DNA position 374, T replaced by C.
Protein change: p.Phe125Ser; replaces phenylalanine 125 with serine.
Molecular consequence: missense variant.
Genome position (GRCh38, 1-based): chr22:28,725,313, A>G on the plus strand (T>C on the coding strand, the complement: CHEK2 is on the minus strand). VCF-style: chr22-28725313-A-G. GRCh37 (hg19) VCF-style: chr22-29121301-A-G.
Other names: c.503T>C, p.Phe168Ser (NM_001005735.3); c.-404T>C (NM_001257387.3); c.374T>C, p.Phe125Ser (NM_001349956.3, NM_145862.3); short protein forms F125S, F168S.
Identifiers: ClinVar variation 578175 (VCV000578175.12), dbSNP rs1064794677, ClinGen allele CA411108104.